The following is an entry in ClinVar:

ClinVar aggregate classification (germline): Likely pathogenic (1 of 4 stars; one submission).

Conditions:
Alport syndrome. Also called: Hemorrhagic familial nephritis; Hemorrhagic hereditary nephritis; Congenital hereditary hematuria. Identifiers: Orphanet 63, MedGen C1567741, MONDO:0018965.

Submission:

Natera, Inc.
Classification: Likely pathogenic for Alport syndrome. Last evaluated: 2024-12-18. Review status: criteria provided, single submitter. Criteria: Natera Variant Classification Schema (03/2026). Collection method: clinical testing. Allele origin: germline.
Comment: The c.1460-2A>C variant in COL4A4 is a canonical splice acceptor site variant predicted to affect pre-mRNA splicing, which may result in an abnormal transcript and altered protein product. This variant is expected to result in nonsense mediated decay, truncation, or a dysfunctional protein product. This variant is rare in the general population with a frequency below the threshold expected for the associated phenotype(s). Given the available evidence, this variant is classified as Likely Pathogenic.

NM_000092.5(COL4A4):c.1460-2A>C

Gene: COL4A4 (collagen type IV alpha 4 chain; minus strand). Cytogenetic location: 2q36.3.
Variant type: single nucleotide variant.
Coding change: c.1460-2A>C on transcript NM_000092.5 (MANE Select); the canonical splice acceptor site of the intron before coding-DNA position 1460, A replaced by C.
Molecular consequence: splice acceptor variant.
Genome position (GRCh38, 1-based): chr2:227,088,818, T>G on the plus strand (A>C on the coding strand, the complement: COL4A4 is on the minus strand). VCF-style: chr2-227088818-T-G. GRCh37 (hg19) VCF-style: chr2-227953534-T-G.
Identifiers: ClinVar variation 4817290 (VCV004817290.1).